The following is an entry in ClinVar:

NM_182931.3(KMT2E):c.544dup (p.Glu182fs)

Gene: KMT2E (lysine methyltransferase 2E (inactive); plus strand). Cytogenetic location: 7q22.3.
Variant type: Duplication.
Coding change: c.544dup on transcript NM_182931.3 (MANE Select); coding-DNA position 544, one base duplicated (G; older notation c.544dupG).
Protein change: p.Glu182fs; shifts the reading frame from glutamic acid 182.
Molecular consequence: frameshift variant.
Genome position (GRCh38, 1-based): chr7:105,073,665, G duplicated; the last of 3 consecutive G bases (chr7:105,073,663-105,073,665); duplicating any one gives the same sequence. VCF-style (leftmost placement, unchanged base first): chr7-105073662-A-AG. GRCh37 (hg19) VCF-style: chr7-104714109-A-AG.
Other names: c.544dup, p.Glu182fs (NM_001410908.1, NM_018682.4); short protein forms E182fs.
Identifiers: ClinVar variation 3075986 (VCV003075986.1), dbSNP rs2536417191, ClinGen allele CA2825001501.
Genomic context (GRCh38, chr7:105,073,662, plus strand): 5'-CTAATTTTTTAATGTAGGAATTTGGATAAAGAGAGGGCAGTGCTACTACAACGCCGGAAA[A>AG]GGGAAAATATGTCAGGTAGGTAAAAAGGACCTACACTAAATTAAAATTCGTGTGATTGAG-3'

ClinVar aggregate classification (germline): Likely pathogenic (1 of 4 stars; one submission).

Conditions:
Neurodevelopmental disorder. Identifiers: MedGen C1535926, MeSH D065886, MONDO:0700092.

Submission:

Laboratory for Molecular Medicine, Mass General Brigham Personalized Medicine
Classification: Likely pathogenic for Neurodevelopmental disorder. Last evaluated: 2024-03-31. Review status: criteria provided, single submitter. Criteria: ACMG Guidelines, 2015. Collection method: clinical testing. Allele origin: germline. Inheritance: Autosomal dominant inheritance.
Comment: The p.Glu182GlyfsX7 variant in KMT2E has not been previously reported in individuals with neurodevelopmental disorders nor in large population studies (gnomAD v4.0.0). This variant is predicted to cause a frameshift, which alters the protein’s amino acid sequence beginning at position 182 and leads to a premature termination codon 7 amino acids downstream. This alteration is then predicted to lead to a truncated or absent protein. Heterozygous loss of function variants in the KMT2E gene have been reported in many individuals with autosomal dominant complex neurodevelopmental disorder (O'Donnell-Luria 2019 PMID: 31079897). In summary, although additional studies are required to fully establish its clinical significance, this variant meets criteria to be classified as likely pathogenic for autosomal dominant KMTE2-related complex neurodevelopmental disorder. ACMG/AMP Criteria applied: PVS1, PM2_Supporting.

Literature cited by the submitters: PubMed 31079897.